The following is an entry in ClinVar:

NM_001377.3(DYNC2H1):c.7726T>C (p.Trp2576Arg)

Gene: DYNC2H1 (dynein cytoplasmic 2 heavy chain 1; plus strand). Cytogenetic location: 11q22.3.
Variant type: single nucleotide variant.
Coding change: c.7726T>C on transcript NM_001377.3 (MANE Select); coding-DNA position 7726, T replaced by C.
Protein change: p.Trp2576Arg; replaces tryptophan 2576 with arginine.
Molecular consequence: missense variant.
Genome position (GRCh38, 1-based): chr11:103,197,950, T>C. VCF-style: chr11-103197950-T-C. GRCh37 (hg19) VCF-style: chr11-103068679-T-C.
Other names: c.7726T>C, p.Trp2576Arg (NM_001080463.2); c.7726T>C (NM_001080463.1); short protein forms W2576R.
Identifiers: ClinVar variation 2143630 (VCV002143630.4), dbSNP rs759101120, ClinGen allele CA6254320.

ClinVar aggregate classification (germline): Uncertain significance. Review status: criteria provided, multiple submitters, no conflicts (2 of 4 stars). 2 submissions from 2 submitters: Uncertain significance (2). Last evaluated 2025-09-25.

Conditions:
Jeune thoracic dystrophy. Also called: Jeune syndrome; Infantile thoracic dystrophy; Thoracic pelvic phalangeal dystrophy; Jeune's syndrome; Chondroectodermal dysplasia-like syndrome; Short-rib thoracic dysplasia. Identifiers: Orphanet 474, MedGen C0265275, MONDO:0018770.
Inborn genetic diseases. Identifiers: MedGen C0950123, MeSH D030342.

Allele frequency attached by ClinVar (database versions not stated): gnomAD 0.00001; gnomAD exomes 0.00001; ExAC 0.00003.
gnomAD v4.1: 17 of 1,570,328 alleles (0.0011%); highest among the groups gnomAD compares: East Asian, 0.0023%; no homozygotes.

Submissions (2):

Ambry Genetics
Classification: Uncertain significance for Inborn genetic diseases. Last evaluated: 2025-09-25. Review status: criteria provided, single submitter. Criteria: Ambry Variant Classification Scheme 2023. Collection method: clinical testing. Allele origin: germline.

Labcorp Genetics (formerly Invitae), Labcorp
Classification: Uncertain significance for Jeune thoracic dystrophy. Last evaluated: 2025-02-10. Review status: criteria provided, single submitter. Criteria: Invitae Variant Classification Sherloc (09022015). Collection method: clinical testing. Allele origin: germline.
Comment: This sequence change replaces tryptophan, which is neutral and slightly polar, with arginine, which is basic and polar, at codon 2576 of the DYNC2H1 protein (p.Trp2576Arg). The frequency data for this variant in the population databases is considered unreliable, as metrics indicate poor data quality at this position in the gnomAD database. This variant has not been reported in the literature in individuals affected with DYNC2H1-related conditions. ClinVar contains an entry for this variant (Variation ID: 2143630). Invitae Evidence Modeling of protein sequence and biophysical properties (such as structural, functional, and spatial information, amino acid conservation, physicochemical variation, residue mobility, and thermodynamic stability) indicates that this missense variant is expected to disrupt DYNC2H1 protein function with a positive predictive value of 80%. In summary, the available evidence is currently insufficient to determine the role of this variant in disease. Therefore, it has been classified as a Variant of Uncertain Significance.